The following is an entry in ClinVar:

NM_020117.11(LARS1):c.294+292G>T

Gene: LARS1 (leucyl-tRNA synthetase 1; minus strand). Cytogenetic location: 5q32.
Variant type: single nucleotide variant.
Coding change: c.294+292G>T on transcript NM_020117.11 (MANE Select); 292 bases into the intron after coding-DNA position 294, G replaced by T.
Molecular consequence: intron variant.
Genome position (GRCh38, 1-based): chr5:146,171,618, C>A on the plus strand (G>T on the coding strand, the complement: LARS1 is on the minus strand). VCF-style: chr5-146171618-C-A. GRCh37 (hg19) VCF-style: chr5-145551181-C-A.
Other names: c.132+292G>T (NM_001317965.2); c.213+1069G>T (NM_016460.4); c.294+292G>T (NM_001317964.2).
Identifiers: ClinVar variation 669994 (VCV000669994.1), dbSNP rs3828935, ClinGen allele CA12173895.

ClinVar aggregate classification (germline): Benign (1 of 4 stars; one submission).

Allele frequency attached by ClinVar (database versions not stated): 1000 Genomes Project 30x 0.18067; 1000 Genomes Project 0.18171; gnomAD 0.22141 and 0.22235; TOPMed 0.22141.
gnomAD v4.1: 33,855 of 152,018 alleles (22%); highest among the groups gnomAD compares: Admixed American, 34%; 4,820 homozygotes.

Submission:

GeneDx
Classification: Benign. Last evaluated: 2018-06-19. Review status: criteria provided, single submitter. Criteria: GeneDx Variant Classification (06012015). Collection method: clinical testing. Allele origin: germline. Affected: yes.
Comment: This variant is considered likely benign or benign based on one or more of the following criteria: it is a conservative change, it occurs at a poorly conserved position in the protein, it is predicted to be benign by multiple in silico algorithms, and/or has population frequency not consistent with disease.